The following is an entry in ClinVar:

ClinVar aggregate classification (germline): Likely benign (1 of 4 stars; one submission).

Conditions:
BDP1-related disorder. Also called: BDP1-related condition.

gnomAD v4.1: 7 of 1,614,096 alleles (0.00043%); highest among the groups gnomAD compares: South Asian, 0.0055%; no homozygotes.

Submission:

PreventionGenetics, part of Exact Sciences
Classification: Likely benign for BDP1-related condition. Last evaluated: 2026-03-09. Review status: criteria provided, single submitter. Criteria: ACMG Guidelines, 2015. Collection method: clinical testing. Allele origin: germline.
Comment: This variant is classified as likely benign based on ACMG/AMP sequence variant interpretation guidelines (Richards et al. 2015 PMID: 25741868, with internal and published modifications).

NM_018429.3(BDP1):c.7419G>A (p.Lys2473=)

Gene: BDP1 (BDP1 general transcription factor IIIB subunit; plus strand). Cytogenetic location: 5q13.2.
Variant type: single nucleotide variant.
Coding change: c.7419G>A on transcript NM_018429.3 (MANE Select); coding-DNA position 7419, G replaced by A.
Protein change: p.Lys2473=; no amino-acid change (lysine 2473 retained).
Molecular consequence: synonymous variant.
Genome position (GRCh38, 1-based): chr5:71,560,160, G>A. VCF-style: chr5-71560160-G-A. GRCh37 (hg19) VCF-style: chr5-70855987-G-A.
Identifiers: ClinVar variation 4985454 (VCV004985454.1).